The following is an entry in ClinVar:

NM_030962.4(SBF2):c.474C>G (p.Asn158Lys)

Gene: SBF2 (SET binding factor 2; minus strand). Cytogenetic location: 11p15.4.
Variant type: single nucleotide variant.
Coding change: c.474C>G on transcript NM_030962.4 (MANE Select); coding-DNA position 474, C replaced by G.
Protein change: p.Asn158Lys; replaces asparagine 158 with lysine.
Molecular consequence: missense variant.
Genome position (GRCh38, 1-based): chr11:10,029,804, G>C on the plus strand (C>G on the coding strand, the complement: SBF2 is on the minus strand). VCF-style: chr11-10029804-G-C. GRCh37 (hg19) VCF-style: chr11-10051351-G-C.
Other names: c.474C>G, p.Asn158Lys (NM_001386339.1, NM_001386342.1); short protein forms N158K.
Identifiers: ClinVar variation 1345477 (VCV001345477.4), dbSNP rs745535685, ClinGen allele CA5882114.

ClinVar aggregate classification (germline): Uncertain significance (1 of 4 stars; one submission).

Conditions:
Charcot-Marie-Tooth disease type 4. Also called: Charcot-Marie-Tooth disease, type IV; Charcot-Marie-Tooth, Type 4. Identifiers: Orphanet 64749, MedGen C4082197, MONDO:0018995.

Allele frequency attached by ClinVar (database versions not stated): ExAC 0.00001; gnomAD 0.00001; gnomAD exomes 0.00001 and 0.00002.
gnomAD v4.1: 8 of 1,613,760 alleles (0.0005%); highest among the groups gnomAD compares: Admixed American, 0.013%; no homozygotes.

Submission:

Labcorp Genetics (formerly Invitae), Labcorp
Classification: Uncertain significance for Charcot-Marie-Tooth disease type 4. Last evaluated: 2025-10-21. Review status: criteria provided, single submitter. Criteria: Invitae Variant Classification Sherloc (09022015). Collection method: clinical testing. Allele origin: germline.
Comment: This sequence change replaces asparagine, which is neutral and polar, with lysine, which is basic and polar, at codon 158 of the SBF2 protein (p.Asn158Lys). This variant is present in population databases (rs745535685, gnomAD 0.02%). This variant has not been reported in the literature in individuals affected with SBF2-related conditions. ClinVar contains an entry for this variant (Variation ID: 1345477). Invitae Evidence Modeling of protein sequence and biophysical properties (such as structural, functional, and spatial information, amino acid conservation, physicochemical variation, residue mobility, and thermodynamic stability) indicates that this missense variant is not expected to disrupt SBF2 protein function with a negative predictive value of 80%. In summary, the available evidence is currently insufficient to determine the role of this variant in disease. Therefore, it has been classified as a Variant of Uncertain Significance.